The following is an entry in ClinVar:

NM_001242896.3(DEPDC5):c.484-2A>T

Gene: DEPDC5 (DEP domain containing 5, GATOR1 subcomplex subunit; plus strand). Cytogenetic location: 22q12.2.
Variant type: single nucleotide variant.
Coding change: c.484-2A>T on transcript NM_001242896.3 (MANE Select); the canonical splice acceptor site of the intron before coding-DNA position 484, A replaced by T.
Molecular consequence: splice acceptor variant.
Genome position (GRCh38, 1-based): chr22:31,783,905, A>T. VCF-style: chr22-31783905-A-T. GRCh37 (hg19) VCF-style: chr22-32179891-A-T.
Other names: c.484-2A>T (NM_001364318.2, NM_001136029.4, NM_014662.6 and 7 more transcripts); c.400-2A>T (NM_001369902.1, NM_001369901.1).
Identifiers: ClinVar variation 2700490 (VCV002700490.3), dbSNP rs2518362817, ClinGen allele CA411285418.
Genomic context (GRCh38, chr22:31,783,905, plus strand): 5'-ATCTTATAGAACTGAAACTGTATATGGCATTGCTTTTTAATACAATTGTGTTTTTATTTC[A>T]GGTGGTGTTTCGTTCTACGTCGGCTATGGTTTACATATTTATTCAGATGAGCTGTGAAAT-3'

ClinVar aggregate classification (germline): Likely pathogenic (1 of 4 stars; one submission).

Conditions:
Familial focal epilepsy with variable foci (FPEVF). Identifiers: Orphanet 98820, MedGen C1858477, MONDO:0020310.

Submission:

Labcorp Genetics (formerly Invitae), Labcorp
Classification: Likely pathogenic for Familial focal epilepsy with variable foci. Last evaluated: 2023-12-02. Review status: criteria provided, single submitter. Criteria: Invitae Variant Classification Sherloc (09022015). Collection method: clinical testing. Allele origin: germline.
Comment: This sequence change affects an acceptor splice site in intron 8 of the DEPDC5 gene. It is expected to disrupt RNA splicing. Variants that disrupt the donor or acceptor splice site typically lead to a loss of protein function (PMID: 16199547), and loss-of-function variants in DEPDC5 are known to be pathogenic (PMID: 23542697, 23542701). This variant is not present in population databases (gnomAD no frequency). This variant has not been reported in the literature in individuals affected with DEPDC5-related conditions. Algorithms developed to predict the effect of sequence changes on RNA splicing suggest that this variant may disrupt the consensus splice site. In summary, the currently available evidence indicates that the variant is pathogenic, but additional data are needed to prove that conclusively. Therefore, this variant has been classified as Likely Pathogenic.

Literature cited by the submitters: PubMed 16199547; PubMed 23542697; PubMed 23542701.